The following is an entry in ClinVar:

ClinVar aggregate classification (germline): Uncertain significance (1 of 4 stars; one submission).

Conditions:
Glycine encephalopathy. Also called: Nonketotic hyperglycinemia; Non-ketotic hyperglycinemia. Identifiers: Orphanet 407, MedGen C0751748, MONDO:0011612, HP:0008288.

Submission:

Labcorp Genetics (formerly Invitae), Labcorp
Classification: Uncertain significance for Glycine encephalopathy. Last evaluated: 2022-02-18. Review status: criteria provided, single submitter. Criteria: Invitae Variant Classification Sherloc (09022015). Collection method: clinical testing. Allele origin: germline.
Comment: In summary, the available evidence is currently insufficient to determine the role of this variant in disease. Therefore, it has been classified as a Variant of Uncertain Significance. Algorithms developed to predict the effect of sequence changes on RNA splicing suggest that this variant may disrupt the consensus splice site. Advanced modeling of protein sequence and biophysical properties (such as structural, functional, and spatial information, amino acid conservation, physicochemical variation, residue mobility, and thermodynamic stability) performed at Invitae indicates that this missense variant is not expected to disrupt AMT protein function. This variant has not been reported in the literature in individuals affected with AMT-related conditions. This variant is not present in population databases (gnomAD no frequency). This sequence change replaces alanine, which is neutral and non-polar, with threonine, which is neutral and polar, at codon 188 of the AMT protein (p.Ala188Thr).

NM_000481.4(AMT):c.562G>A (p.Ala188Thr)

Gene: AMT (aminomethyltransferase; minus strand). Cytogenetic location: 3p21.31.
Variant type: single nucleotide variant.
Coding change: c.562G>A on transcript NM_000481.4 (MANE Select); coding-DNA position 562, G replaced by A.
Protein change: p.Ala188Thr; replaces alanine 188 with threonine.
Molecular consequence: missense variant. On other transcripts: non-coding transcript variant (1).
Genome position (GRCh38, 1-based): chr3:49,419,394, C>T on the plus strand (G>A on the coding strand, the complement: AMT is on the minus strand). VCF-style: chr3-49419394-C-T. GRCh37 (hg19) VCF-style: chr3-49456827-C-T.
Other names: c.430G>A, p.Ala144Thr (NM_001164710.2); c.394G>A, p.Ala132Thr (NM_001164711.2); c.562G>A, p.Ala188Thr (NM_001164712.2); short protein forms A144T, A188T, A132T.
Identifiers: ClinVar variation 2098319 (VCV002098319.4), dbSNP rs2471151474, ClinGen allele CA352790316.